The following is an entry in ClinVar:

ClinVar aggregate classification (germline): Uncertain significance (1 of 4 stars; one submission).

Submission:

Ambry Genetics
Classification: Uncertain significance. Last evaluated: 2026-06-20. Review status: criteria provided, single submitter. Criteria: Ambry Variant Classification Scheme 2023. Collection method: clinical testing. Allele origin: germline.
Comment: The p.R708P variant (also known as c.2123G>C), located in coding exon 4 of the CDK12 gene, results from a G to C substitution at nucleotide position 2123. The arginine at codon 708 is replaced by proline, an amino acid with dissimilar properties. This amino acid position is conserved. In addition, this alteration is predicted to be deleterious by in silico analysis. Based on the available evidence, the clinical significance of this variant remains unclear.

NM_016507.4(CDK12):c.2123G>C (p.Arg708Pro)

Gene: CDK12 (cyclin dependent kinase 12; plus strand). Cytogenetic location: 17q12.
Variant type: single nucleotide variant.
Coding change: c.2123G>C on transcript NM_016507.4 (MANE Select); coding-DNA position 2123, G replaced by C.
Protein change: p.Arg708Pro; replaces arginine 708 with proline.
Molecular consequence: missense variant.
Genome position (GRCh38, 1-based): chr17:39,492,765, G>C. VCF-style: chr17-39492765-G-C. GRCh37 (hg19) VCF-style: chr17-37649018-G-C.
Other names: c.2123G>C, p.Arg708Pro (NM_015083.4); short protein forms R708P.
Identifiers: ClinVar variation 5034053 (VCV005034053.1).